The following is an entry in ClinVar:

ClinVar aggregate classification (germline): Pathogenic/Likely pathogenic. Review status: criteria provided, multiple submitters, no conflicts (2 of 4 stars). 2 submissions from 2 submitters: Pathogenic (1); Likely pathogenic (1). Last evaluated 2022-11-10.

Submissions (2):

Labcorp Genetics (formerly Invitae), Labcorp
Classification: Likely pathogenic. Last evaluated: 2022-11-10. Review status: criteria provided, single submitter. Criteria: Invitae Variant Classification Sherloc (09022015). Collection method: clinical testing. Allele origin: germline.
Comment: ClinVar contains an entry for this variant (Variation ID: 1254251). In summary, the currently available evidence indicates that the variant is pathogenic, but additional data are needed to prove that conclusively. Therefore, this variant has been classified as Likely Pathogenic. This variant disrupts the p.Gly2704 amino acid residue in COL7A1. Other variant(s) that disrupt this residue have been observed in individuals with COL7A1-related conditions (PMID: 32484238), which suggests that this may be a clinically significant amino acid residue. Algorithms developed to predict the effect of missense changes on protein structure and function are either unavailable or do not agree on the potential impact of this missense change (SIFT: "Deleterious"; PolyPhen-2: "Probably Damaging"; Align-GVGD: "Class C0"). This missense change has been observed in individual(s) with autosomal dominant epidermolysis bullosa pruriginosa (PMID: 28164502; Invitae). It has also been observed to segregate with disease in related individuals. This variant is not present in population databases (gnomAD no frequency). This sequence change replaces glycine, which is neutral and non-polar, with glutamic acid, which is acidic and polar, at codon 2704 of the COL7A1 protein (p.Gly2704Glu).

GeneDx
Classification: Pathogenic. Last evaluated: 2021-08-23. Review status: criteria provided, single submitter. Criteria: GeneDx Variant Classification Process June 2021. Collection method: clinical testing. Allele origin: germline. Affected: yes.
Comment: Located in the highly conserved Gly-X-Y repeat of the collagenous domain; Glycine substitution variants in this region of the COLVII protein destabilize the collagen triple helix resulting in skin fragility due to poor anchoring of the basement membrane to the underlying dermis (Pfendner and Lucky, 2018); Not observed in large population cohorts (Lek et al., 2016); In silico analysis supports that this missense variant has a deleterious effect on protein structure/function; This variant is associated with the following publications: (PMID: 20301481, 28164502)

Literature cited by the submitters: PubMed 32484238 (cited by Labcorp Genetics (formerly Invitae), Labcorp); PubMed 28164502 (cited by Labcorp Genetics (formerly Invitae), Labcorp).

NM_000094.4(COL7A1):c.8111G>A (p.Gly2704Glu)

Gene: COL7A1 (collagen type VII alpha 1 chain; minus strand). Cytogenetic location: 3p21.31.
Variant type: single nucleotide variant.
Coding change: c.8111G>A on transcript NM_000094.4 (MANE Select); coding-DNA position 8111, G replaced by A.
Protein change: p.Gly2704Glu; replaces glycine 2704 with glutamic acid.
Molecular consequence: missense variant.
Genome position (GRCh38, 1-based): chr3:48,567,022, C>T on the plus strand (G>A on the coding strand, the complement: COL7A1 is on the minus strand). VCF-style: chr3-48567022-C-T. GRCh37 (hg19) VCF-style: chr3-48604455-C-T.
Other names: short protein forms G2704E.
Identifiers: ClinVar variation 1254251 (VCV001254251.7), dbSNP rs2107632852, ClinGen allele CA352640297.